The following is an entry in ClinVar:

NM_000443.4(ABCB4):c.2288T>C (p.Ile763Thr)

Gene: ABCB4 (ATP binding cassette subfamily B member 4; minus strand). Cytogenetic location: 7q21.12.
Variant type: single nucleotide variant.
Coding change: c.2288T>C on transcript NM_000443.4 (MANE Select); coding-DNA position 2288, T replaced by C.
Protein change: p.Ile763Thr; replaces isoleucine 763 with threonine.
Molecular consequence: missense variant.
Genome position (GRCh38, 1-based): chr7:87,422,149, A>G on the plus strand (T>C on the coding strand, the complement: ABCB4 is on the minus strand). VCF-style: chr7-87422149-A-G. GRCh37 (hg19) VCF-style: chr7-87051465-A-G.
Other names: c.2288T>C, p.Ile763Thr (NM_018849.3, NM_018850.3); c.2288T>C (NM_000443.3); short protein forms I763T.
Identifiers: ClinVar variation 3233855 (VCV003233855.6), dbSNP rs540946679, ClinGen allele CA4327070.

ClinVar aggregate classification (germline): Uncertain significance. Review status: criteria provided, multiple submitters, no conflicts (2 of 4 stars). 4 submissions from 4 submitters: Uncertain significance (4). Last evaluated 2026-04-14.

Conditions:
ABCB4-related disorder. Also called: ABCB4-related disorders; ABCB4-related condition.
Familial intrahepatic cholestasis. Identifiers: Orphanet 284385, MedGen CN296401, MONDO:0017290.
Cholestasis, intrahepatic, of pregnancy, 3. Identifiers: Orphanet 69665, MedGen C3554241, MONDO:0013995, OMIM 614972.
Low phospholipid associated cholelithiasis (GBD1). Also called: Gallstone cholecystitis; Gallbladder disease 1. Identifiers: Orphanet 69663, MedGen C2609268, MONDO:0010939, OMIM 600803.
Progressive familial intrahepatic cholestasis type 3. Also called: MDR3 DEFICIENCY; Low Gamma-GT Familial Intrahepatic Cholestasis. Identifiers: Orphanet 79305, MedGen C1865643, MONDO:0011214, OMIM 602347.

Allele frequency attached by ClinVar (database versions not stated): TOPMed below 0.00001; gnomAD 0.00002; gnomAD exomes 0.00002; ExAC 0.00005; 1000 Genomes Project 30x 0.00016; 1000 Genomes Project 0.00020.
gnomAD v4.1: 36 of 1,612,846 alleles (0.0022%); highest among the groups gnomAD compares: South Asian, 0.025%; no homozygotes.

Submissions (4):

Genomenon, Inc
Classification: Uncertain significance for Familial intrahepatic cholestasis. Last evaluated: 2026-04-14. Review status: criteria provided, single submitter. Criteria: Genomenon Sequence Variant Interpretation Standards - Updated. Collection method: curation. Allele origin: germline. Affected: yes.
Comment: ABCB4 p.Ile763Thr (c.2288T>C) is a missense variant that changes the amino acid at residue 763 from Isoleucine to Threonine. This variant has been observed in at least one proband with an ABCB4-related disorder (PMID:38610052). It is absent or not present at a significant frequency in gnomAD. In conclusion, we classify ABCB4 p.Ile763Thr (c.2288T>C) as a variant of uncertain significance.

PreventionGenetics, part of Exact Sciences
Classification: Uncertain significance for ABCB4-related condition. Last evaluated: 2025-08-05. Review status: criteria provided, single submitter. Criteria: ACMG Guidelines, 2015. Collection method: clinical testing. Allele origin: germline.
Comment: The ABCB4 c.2288T>C variant is predicted to result in the amino acid substitution p.Ile763Thr. This variant has been reported in the heterozygous state in an infant with biliary atresia and in a child with drug-induced liver injury, although no additional information was provided to support pathogenicity (Table 2, Laochareonsuk et al. 2022. PubMed ID: 36350824; Cao et al. 2024. PubMed ID: 38610052). This variant is reported in 0.023% of alleles in individuals of South Asian descent in gnomAD. At this time, the clinical significance of this variant is uncertain due to the absence of conclusive functional and genetic evidence.

Women's Health and Genetics/Laboratory Corporation of America, LabCorp
Classification: Uncertain significance. Last evaluated: 2024-03-20. Review status: criteria provided, single submitter. Criteria: LabCorp Variant Classification Summary - May 2015. Collection method: clinical testing. Allele origin: germline.
Comment: Variant summary: ABCB4 c.2288T>C (p.Ile763Thr) results in a non-conservative amino acid change located in the ABC transporter type 1, transmembrane domain (IPR011527) of the encoded protein sequence. Four of five in-silico tools predict a damaging effect of the variant on protein function. The variant allele was found at a frequency of 3.6e-05 in 249924 control chromosomes. The available data on variant occurrences in the general population are insufficient to allow any conclusion about variant significance. c.2288T>C has been reported in the literature in at least one heterozygous individual affected with Biliary atresia (e.g. Laochareonsuk_2022). This report does not provide unequivocal conclusions about association of the variant with Familial Intrahepatic Cholestasis. To our knowledge, no experimental evidence demonstrating an impact on protein function has been reported. The following publication has been ascertained in the context of this evaluation (PMID: 36350824). No submitters have cited clinical-significance assessments for this variant to ClinVar. Based on the evidence outlined above, the variant was classified as uncertain significance.

Juno Genomics, Hangzhou Juno Genomics, Inc
Classification: Uncertain significance for Cholestasis, intrahepatic, of pregnancy, 3; Progressive familial intrahepatic cholestasis type 3; Low phospholipid associated cholelithiasis. Review status: criteria provided, single submitter. Criteria: ACMG Guidelines, 2015. Collection method: clinical testing. Allele origin: germline.
Comment: Absent from controls (or at extremely low frequency if recessive) in Genome Aggregation Database.

Literature cited by the submitters: PubMed 38610052 (cited by Genomenon, Inc); PubMed 36350824 (cited by Women's Health and Genetics/Laboratory Corporation of America, LabCorp).